The following is an entry in ClinVar:

NM_000138.5(FBN1):c.4541C>T (p.Pro1514Leu)

Gene: FBN1 (fibrillin 1; minus strand). Cytogenetic location: 15q21.1.
Variant type: single nucleotide variant.
Coding change: c.4541C>T on transcript NM_000138.5 (MANE Select); coding-DNA position 4541, C replaced by T.
Protein change: p.Pro1514Leu; replaces proline 1514 with leucine.
Molecular consequence: missense variant.
Genome position (GRCh38, 1-based): chr15:48,468,453, G>A on the plus strand (C>T on the coding strand, the complement: FBN1 is on the minus strand). VCF-style: chr15-48468453-G-A. GRCh37 (hg19) VCF-style: chr15-48760650-G-A.
Other names: short protein forms P1514L.
Identifiers: ClinVar variation 640417 (VCV000640417.6), dbSNP rs746205136, ClinGen allele CA053215.

ClinVar aggregate classification (germline): Uncertain significance (1 of 4 stars; one submission).

Conditions:
Familial thoracic aortic aneurysm and aortic dissection (TAAD). Also called: Thoracic aortic aneurysms and dissections. Identifiers: Orphanet 91387, MedGen C4707243, MONDO:0019625.
Marfan syndrome (MFS). Also called: FBN1-Related Marfan Syndrome; Marfan syndrome type 1; Marfan's syndrome; Marfan syndrome, classic; MARFAN SYNDROME, TYPE I. Identifiers: Orphanet 284963, Orphanet 558, MedGen C0024796, MONDO:0007947, OMIM 154700.

Allele frequency attached by ClinVar (database versions not stated): gnomAD exomes 0.00001; ExAC 0.00002.
gnomAD v4.1: 4 of 1,614,114 alleles (0.00025%); highest among the groups gnomAD compares: Admixed American, 0.0067%; no homozygotes.

Submission:

Labcorp Genetics (formerly Invitae), Labcorp
Classification: Uncertain significance for Marfan syndrome; Familial thoracic aortic aneurysm and aortic dissection. Last evaluated: 2021-10-10. Review status: criteria provided, single submitter. Criteria: Invitae Variant Classification Sherloc (09022015). Collection method: clinical testing. Allele origin: germline.
Comment: In summary, the available evidence is currently insufficient to determine the role of this variant in disease. Therefore, it has been classified as a Variant of Uncertain Significance. Algorithms developed to predict the effect of missense changes on protein structure and function (SIFT, PolyPhen-2, Align-GVGD) all suggest that this variant is likely to be disruptive. This variant has not been reported in the literature in individuals affected with FBN1-related conditions. This variant is present in population databases (rs746205136, ExAC 0.02%). This sequence change replaces proline with leucine at codon 1514 of the FBN1 protein (p.Pro1514Leu). The proline residue is highly conserved and there is a moderate physicochemical difference between proline and leucine.